The following is an entry in ClinVar:

ClinVar aggregate classification (germline): Likely benign (0 of 4 stars; one submission).

Conditions:
SPEN-related disorder. Also called: SPEN-related condition.

Allele frequency attached by ClinVar (database versions not stated): gnomAD exomes below 0.00001; TOPMed 0.00002.
gnomAD v4.1: 3 of 1,614,174 alleles (0.00019%); highest among the groups gnomAD compares: East Asian, 0.0045%; no homozygotes.

Submission:

PreventionGenetics, part of Exact Sciences
Classification: Likely benign for SPEN-related condition. Last evaluated: 2024-02-27. Review status: no assertion criteria provided. Collection method: clinical testing. Allele origin: germline.
Comment: This variant is classified as likely benign based on ACMG/AMP sequence variant interpretation guidelines (Richards et al. 2015 PMID: 25741868, with internal and published modifications).

NM_015001.3(SPEN):c.3984A>G (p.Leu1328=)

Gene: SPEN (spen family transcriptional repressor; plus strand). Cytogenetic location: 1p36.13.
Variant type: single nucleotide variant.
Coding change: c.3984A>G on transcript NM_015001.3 (MANE Select); coding-DNA position 3984, A replaced by G.
Protein change: p.Leu1328=; no amino-acid change (leucine 1328 retained).
Molecular consequence: synonymous variant.
Genome position (GRCh38, 1-based): chr1:15,930,224, A>G. VCF-style: chr1-15930224-A-G. GRCh37 (hg19) VCF-style: chr1-16256719-A-G.
Identifiers: ClinVar variation 3061393 (VCV003061393.2), dbSNP rs1472427324, ClinGen allele CA416380007.